The following is an entry in ClinVar:

NM_000285.4(PEPD):c.187G>T (p.Val63Phe)

Gene: PEPD (peptidase D; minus strand). Cytogenetic location: 19q13.11.
Variant type: single nucleotide variant.
Coding change: c.187G>T on transcript NM_000285.4 (MANE Select); coding-DNA position 187, G replaced by T.
Protein change: p.Val63Phe; replaces valine 63 with phenylalanine.
Molecular consequence: missense variant.
Genome position (GRCh38, 1-based): chr19:33,512,607, C>A on the plus strand (G>T on the coding strand, the complement: PEPD is on the minus strand). VCF-style: chr19-33512607-C-A. GRCh37 (hg19) VCF-style: chr19-34003513-C-A.
Other names: c.187G>T, p.Val63Phe (NM_001166056.2, NM_001166057.2); c.187G>T (NM_000285.3); short protein forms V63F.
Identifiers: ClinVar variation 1421876 (VCV001421876.7), dbSNP rs778585918, ClinGen allele CA9364471.

ClinVar aggregate classification (germline): Uncertain significance. Review status: criteria provided, multiple submitters, no conflicts (2 of 4 stars). 2 submissions from 2 submitters: Uncertain significance (2). Last evaluated 2025-09-11.

Conditions:
Inborn genetic diseases. Identifiers: MedGen C0950123, MeSH D030342.

Allele frequency attached by ClinVar (database versions not stated): gnomAD 0.00001; TOPMed 0.00001; gnomAD exomes 0.00002; ExAC 0.00003.
gnomAD v4.1: 34 of 1,613,636 alleles (0.0021%); highest among the groups gnomAD compares: South Asian, 0.0055%; no homozygotes.

Submissions (2):

Ambry Genetics
Classification: Uncertain significance for Inborn genetic diseases. Last evaluated: 2025-09-11. Review status: criteria provided, single submitter. Criteria: Ambry Variant Classification Scheme 2023. Collection method: clinical testing. Allele origin: germline.

Labcorp Genetics (formerly Invitae), Labcorp
Classification: Uncertain significance. Last evaluated: 2025-04-14. Review status: criteria provided, single submitter. Criteria: Invitae Variant Classification Sherloc (09022015). Collection method: clinical testing. Allele origin: germline.
Comment: This sequence change replaces valine, which is neutral and non-polar, with phenylalanine, which is neutral and non-polar, at codon 63 of the PEPD protein (p.Val63Phe). This variant is present in population databases (rs778585918, gnomAD 0.01%). This variant has not been reported in the literature in individuals affected with PEPD-related conditions. ClinVar contains an entry for this variant (Variation ID: 1421876). Invitae Evidence Modeling of protein sequence and biophysical properties (such as structural, functional, and spatial information, amino acid conservation, physicochemical variation, residue mobility, and thermodynamic stability) indicates that this missense variant is not expected to disrupt PEPD protein function with a negative predictive value of 95%. In summary, the available evidence is currently insufficient to determine the role of this variant in disease. Therefore, it has been classified as a Variant of Uncertain Significance.